The following is an entry in ClinVar:

ClinVar aggregate classification (germline): Conflicting classifications of pathogenicity. Review status: criteria provided, conflicting classifications (1 of 4 stars). 5 submissions from 5 submitters: Uncertain significance (1); Likely benign (3). 1 of the submissions does not count toward it. Last evaluated 2026-03-01.

Conditions:
RIPK4-related disorder. Also called: RIPK4-related condition.
Bartsocas-Papas syndrome 1. Also called: PTERYGIUM, POPLITEAL, LETHAL TYPE; Bartsocas-Papas syndrome; MULTIPLE PTERYGIUM SYNDROME, ASLAN TYPE. Identifiers: Orphanet 1234, MedGen C1849718, MONDO:0009901, OMIM 263650.

Allele frequency attached by ClinVar (database versions not stated): ESP Exome Variant Server 0.00046; 1000 Genomes Project 0.00060; 1000 Genomes Project 30x 0.00078; ExAC 0.00093; gnomAD exomes 0.00102 and 0.00105; gnomAD 0.00128 and 0.00131; TOPMed 0.00161.
gnomAD v4.1: 1,734 of 1,614,232 alleles (0.11%); highest among the groups gnomAD compares: Admixed American, 0.42%; 3 homozygotes.

Submissions (5):

CeGaT Center for Human Genetics Tuebingen
Classification: Likely benign. Last evaluated: 2026-03-01. Review status: criteria provided, single submitter. Criteria: CeGaT Center For Human Genetics Tuebingen Variant Classification Criteria Version 2. Collection method: clinical testing. Allele origin: germline. Affected: yes. Observed: 2 variant alleles.
Comment: RIPK4: BP4, BP7

Blueprint Genetics
Classification: Likely benign. Last evaluated: 2024-11-13. Review status: criteria provided, single submitter. Criteria: ACMG Guidelines, 2015. Collection method: clinical testing. Allele origin: germline.

Labcorp Genetics (formerly Invitae), Labcorp
Classification: Likely benign. Last evaluated: 2019-12-31. Review status: criteria provided, single submitter. Criteria: Invitae Variant Classification Sherloc (09022015). Collection method: clinical testing. Allele origin: germline.

Illumina Laboratory Services, Illumina
Classification: Uncertain significance for Bartsocas-Papas syndrome 1. Last evaluated: 2018-01-12. Review status: criteria provided, single submitter. Criteria: ICSL Variant Classification Criteria 13 December 2019. Collection method: clinical testing. Allele origin: germline.

PreventionGenetics, part of Exact Sciences
Classification: Likely benign for RIPK4-related condition. Last evaluated: 2020-03-12. Review status: no assertion criteria provided. Collection method: clinical testing. Allele origin: germline. Not counted in ClinVar's aggregate classification.
Comment: This variant is classified as likely benign based on ACMG/AMP sequence variant interpretation guidelines (Richards et al. 2015 PMID: 25741868, with internal and published modifications).

NM_020639.3(RIPK4):c.267C>T (p.Arg89=)

Gene: RIPK4 (receptor interacting serine/threonine kinase 4; minus strand). Cytogenetic location: 21q22.3.
Variant type: single nucleotide variant.
Coding change: c.267C>T on transcript NM_020639.3 (MANE Select); coding-DNA position 267, C replaced by T.
Protein change: p.Arg89=; no amino-acid change (arginine 89 retained).
Molecular consequence: synonymous variant.
Genome position (GRCh38, 1-based): chr21:41,756,732, G>A on the plus strand (C>T on the coding strand, the complement: RIPK4 is on the minus strand). VCF-style: chr21-41756732-G-A. GRCh37 (hg19) VCF-style: chr21-43176892-G-A.
Identifiers: ClinVar variation 340035 (VCV000340035.16), dbSNP rs55798804, ClinGen allele CA10035812.